The following is an entry in ClinVar:

NM_002016.2(FLG):c.11530_11531del (p.Gln3844fs)

Genes: CCDST (cervical cancer associated DHX9 suppressive transcript; plus strand), FLG (filaggrin; minus strand). Cytogenetic location: 1q21.3.
Variant type: Microsatellite.
Coding change: c.11530_11531del on transcript NM_002016.2 (MANE Select); coding-DNA positions 11530 to 11531, 2 bases deleted (CA; older notation c.11530_11531delCA).
Protein change: p.Gln3844fs; shifts the reading frame from glutamine 3844.
Molecular consequence: frameshift variant.
Genome position (GRCh38, 1-based): chr1:152,303,355-152,303,356, TG deleted on the plus strand (CA on the coding strand, the reverse complement: FLG is on the minus strand); deleting any 2 consecutive bases within chr1:152,303,355-152,303,358 gives the same sequence; the c. name uses the placement nearest the transcript's 3' end. VCF-style (leftmost placement, unchanged base first): chr1-152303354-CTG-C. GRCh37 (hg19) VCF-style: chr1-152275830-CTG-C.
Other names: c.11528_11529CA[1], p.Gln3844Valfs (NM_002016.1); c.11530_11531del (NM_002016.1); short protein forms Q3844fs.
Identifiers: ClinVar variation 4891396 (VCV004891396.1).
Genomic context (GRCh38, chr1:152,303,354, plus strand): 5'-GCTAACACTGGATCCCTGGCGCCTGCTTCTCCTGGACCCCGCTGATTCACCCTGGCCGGA[CTG>C]TGAGTGTCTAGAGCTGTCAGCCTGAGTGGAAGCTTCATGGTGACGCGACCCTGAGTGCCT-3'

ClinVar aggregate classification (germline): Pathogenic (1 of 4 stars; one submission).

Submission:

GeneDx
Classification: Pathogenic. Last evaluated: 2026-03-08. Review status: criteria provided, single submitter. Criteria: GeneDx Variant Classification Process June 2021. Collection method: clinical testing. Allele origin: germline.
Comment: Frameshift variant predicted to result in protein truncation, as the last 218 amino acids are replaced with 4 different amino acids, and other loss-of-function variants have been reported downstream in HGMD; Not observed at significant frequency in large population cohorts (gnomAD); Has not been previously published as pathogenic or benign to our knowledge